The following is an entry in ClinVar:

NM_006031.6(PCNT):c.7577C>G (p.Ala2526Gly)

Gene: PCNT (pericentrin; plus strand). Cytogenetic location: 21q22.3.
Variant type: single nucleotide variant.
Coding change: c.7577C>G on transcript NM_006031.6 (MANE Select); coding-DNA position 7577, C replaced by G.
Protein change: p.Ala2526Gly; replaces alanine 2526 with glycine.
Molecular consequence: missense variant.
Genome position (GRCh38, 1-based): chr21:46,428,477, C>G. VCF-style: chr21-46428477-C-G. GRCh37 (hg19) VCF-style: chr21-47848391-C-G.
Other names: c.7223C>G, p.Ala2408Gly (NM_001315529.2); short protein forms A2408G, A2526G.
Identifiers: ClinVar variation 1190962 (VCV001190962.23), dbSNP rs746987536, ClinGen allele CA10080713.

ClinVar aggregate classification (germline): Uncertain significance. Review status: criteria provided, multiple submitters, no conflicts (2 of 4 stars). 4 submissions from 4 submitters: Uncertain significance (4). Last evaluated 2026-01-19.

Conditions:
PCNT-related disorder. Also called: PCNT-related condition.

Allele frequency attached by ClinVar (database versions not stated): TOPMed 0.00002; gnomAD exomes 0.00004; ExAC 0.00005; gnomAD 0.00005.
gnomAD v4.1: 67 of 1,612,112 alleles (0.0042%); highest among the groups gnomAD compares: Middle Eastern, 0.22%; 1 homozygote.

Submissions (4):

PreventionGenetics, part of Exact Sciences
Classification: Uncertain significance for PCNT-related condition. Last evaluated: 2026-01-19. Review status: criteria provided, single submitter. Criteria: ACMG Guidelines, 2015. Collection method: clinical testing. Allele origin: germline.
Comment: The PCNT c.7577C>G variant is predicted to result in the amino acid substitution p.Ala2526Gly. To our knowledge, this variant has not been reported in the literature. This variant is reported in 0.0099% of alleles in individuals of South Asian descent in gnomAD. At this time, the clinical significance of this variant is uncertain due to the absence of conclusive functional and genetic evidence.

CeGaT Center for Human Genetics Tuebingen
Classification: Uncertain significance. Last evaluated: 2024-07-01. Review status: criteria provided, single submitter. Criteria: CeGaT Center For Human Genetics Tuebingen Variant Classification Criteria Version 2. Collection method: clinical testing. Allele origin: germline. Affected: yes. Observed: 1 variant allele.
Comment: PCNT: PM2

Labcorp Genetics (formerly Invitae), Labcorp
Classification: Uncertain significance. Last evaluated: 2022-02-05. Review status: criteria provided, single submitter. Criteria: Invitae Variant Classification Sherloc (09022015). Collection method: clinical testing. Allele origin: germline.
Comment: This sequence change replaces alanine, which is neutral and non-polar, with glycine, which is neutral and non-polar, at codon 2526 of the PCNT protein (p.Ala2526Gly). This variant is present in population databases (rs746987536, gnomAD 0.01%). This variant has not been reported in the literature in individuals affected with PCNT-related conditions. ClinVar contains an entry for this variant (Variation ID: 1190962). Algorithms developed to predict the effect of missense changes on protein structure and function are either unavailable or do not agree on the potential impact of this missense change (SIFT: "Tolerated"; PolyPhen-2: "Possibly Damaging"; Align-GVGD: "Class C0"). In summary, the available evidence is currently insufficient to determine the role of this variant in disease. Therefore, it has been classified as a Variant of Uncertain Significance.

GeneDx
Classification: Uncertain significance. Last evaluated: 2019-11-11. Review status: criteria provided, single submitter. Criteria: GeneDx Variant Classification Process June 2021. Collection method: clinical testing. Allele origin: germline. Affected: yes.
Comment: Not observed at a significant frequency in large population cohorts (Lek et al., 2016); In silico analysis, which includes protein predictors and evolutionary conservation, supports a deleterious effect; Missense variant in a gene in which most reported pathogenic variants are truncating/loss-of-function; Has not been previously published as pathogenic or benign to our knowledge